The following is an entry in ClinVar:

NM_000441.2(SLC26A4):c.1001G>T (p.Gly334Val)

Gene: SLC26A4 (solute carrier family 26 member 4; plus strand). Cytogenetic location: 7q22.3.
Variant type: single nucleotide variant.
Coding change: c.1001G>T on transcript NM_000441.2 (MANE Select); coding-DNA position 1001, G replaced by T.
Protein change: p.Gly334Val; replaces glycine 334 with valine.
Molecular consequence: missense variant.
Genome position (GRCh38, 1-based): chr7:107,683,537, G>T. VCF-style: chr7-107683537-G-T. GRCh37 (hg19) VCF-style: chr7-107323982-G-T.
Other names: short protein forms G334V.
Identifiers: ClinVar variation 189039 (VCV000189039.42), dbSNP rs146281367, ClinGen allele CA274302.

ClinVar aggregate classification (germline): Pathogenic/Likely pathogenic. Review status: criteria provided, multiple submitters, no conflicts (2 of 4 stars). 19 submissions from 19 submitters: Pathogenic (13); Likely pathogenic (2). 4 of the submissions do not count toward it. Last evaluated 2026-03-27.

Conditions:
SLC26A4-related disorder. Also called: SLC26A4-related condition; SLC26A4-related disorders.
Pendred syndrome (PDS). Also called: THYROID DYSHORMONOGENESIS 2B; THYROID HORMONOGENESIS, GENETIC DEFECT IN, 2B; DEAFNESS WITH GOITER; GOITER-DEAFNESS SYNDROME; HYPOTHYROIDISM, CONGENITAL, DUE TO DYSHORMONOGENESIS, 2B; Pendred's syndrome. Identifiers: Orphanet 705, MedGen C0271829, MONDO:0010134, OMIM 274600.
Autosomal recessive nonsyndromic hearing loss 4 (DFNB4). Also called: Nonsyndromic enlarged vestibular aqueduct (NSEVA); NEUROSENSORY NONSYNDROMIC RECESSIVE DEAFNESS 4; Deafness, autosomal recessive 4, with enlarged vestibular aqueduct; Deafness, autosomal recessive 4; Enlarged vestibular aqueduct, digenic; FOXI1-Related Pendred Syndrome. Identifiers: Orphanet 90636, MedGen C3538946, MONDO:0010933, OMIM 600791.
Hearing loss, autosomal recessive. Also called: Deafness, autosomal recessive; Rare autosomal recessive non-syndromic sensorineural deafness type DFNB; Nonsyndromic Hearing Loss, Recessive; Autosomal recessive nonsyndromic deafness. Identifiers: Orphanet 90635, Orphanet 90636, MedGen C1846647, MONDO:0019588, OMIM 607197.

gnomAD v4.1: 18 of 1,612,602 alleles (0.0011%); highest among the groups gnomAD compares: Middle Eastern, 0.017%; no homozygotes.

Submissions 1 to 9 of 19:

PreventionGenetics, part of Exact Sciences
Classification: Pathogenic for SLC26A4-related condition. Last evaluated: 2026-03-27. Review status: criteria provided, single submitter. Criteria: ACMG Guidelines, 2015. Collection method: clinical testing. Allele origin: germline.
Comment: The SLC26A4 c.1001G>T variant is predicted to result in the amino acid substitution p.Gly334Val. This variant has been reported in the homozygous or compound heterozygous state in multiple individuals with hearing loss and segregates with disease (Kahrizi et al. 2009. PubMed ID: 18813951; Cengiz et al. 2017. PubMed ID: 28964290; Abu Rayyan et al. 2020. PubMed ID: 32747562). This variant is reported in 0.0033% of alleles in individuals of South Asian descent in gnomAD. This variant is interpreted as pathogenic.

3billion
Classification: Likely pathogenic for Pendred syndrome. Last evaluated: 2026-01-29. Review status: criteria provided, single submitter. Criteria: ACMG Guidelines, 2015. Collection method: clinical testing. Allele origin: germline. Affected: yes.
Comment: The variant is observed at an extremely low frequency in the gnomAD v4.1.0 dataset (total allele frequency: 0.001%). Predicted Consequence/Location: Missense variant In silico tool predictions suggest damaging effect of the variant on gene or gene product [REVEL: 0.96 (>=0.6, sensitivity 0.68 and specificity 0.92); 3Cnet: 0.97 (> 0.75, sensitivity 0.96 and precision 0.92)]. The same nucleotide change resulting in the same amino acid change has been previously reported as pathogenic/likely pathogenic with strong evidence (ClinVar ID: VCV000189039 /PMID: 18813951). Different missense changes at the same codon (p.Gly334Ala, p.Gly334Glu, p.Gly334Trp) have been reported as pathogenic/likely pathogenic with strong evidence (ClinVar ID: VCV001457140 /PMID: 23751281, 23965030). Therefore, this variant is classified as Likely pathogenic according to the recommendation of ACMG/AMP guideline.

Genetics Research Center, University of Social Welfare and Rehabilitation Sciences
Classification: Pathogenic for Autosomal recessive nonsyndromic hearing loss 4. Last evaluated: 2025-12-09. Review status: criteria provided, single submitter. Criteria: ACMG Guidelines, 2015. Collection method: research. Allele origin: germline. Affected: yes.
Comment: The variant is present at a very low frequency in the gnomAD v2.1.1 dataset (allele frequency: 0.0008%) and has been reported in individual(s) affected with SLC26A4-related hearing loss (PMID:18813951, 16460646, 28964290, 17576681, 9536098). It has also been observed to segregate with disease in related individuals. The variant is predicted to be damaging by multiple in-silico tools. Other variant(s) that disrupt this residue have been determined to be pathogenic (PMID:19318451). Studies have demonstrated that this missense variant impairs the normal function of SLC26A4 (PMID:22116360).

Natera, Inc.
Classification: Pathogenic for Pendred syndrome. Last evaluated: 2025-11-06. Review status: criteria provided, single submitter. Criteria: Natera Variant Classification Schema (03/2026). Collection method: clinical testing. Allele origin: germline.
Comment: The c.1001G>T variant in SLC26A4 is a missense variant predicted to cause substitution of glycine to valine at amino acid 334. This variant is rare in the general population with a frequency below the threshold expected for the associated phenotype(s). This variant has been observed in one or more individuals affected with the associated recessive disease, as either homozygous or compound heterozygous with a second variant (PMID: 18813951, 31633822). Additionally, this variant has been observed to segregate in affected family members (PMID: 18813951). Functional studies show that this variant may disrupt protein function (PMID: 16460646). Computational prediction algorithms indicate this variant is likely to affect gene or protein function. Given the available evidence, this variant is classified as Pathogenic.

GeneDx
Classification: Pathogenic. Last evaluated: 2024-11-13. Review status: criteria provided, single submitter. Criteria: GeneDx Variant Classification Process June 2021. Collection method: clinical testing. Allele origin: germline. Affected: yes.
Comment: Demonstrated to create a cryptic splice site and result in loss-of-function (PMID: 16460646); Not observed at significant frequency in large population cohorts (gnomAD); This variant is associated with the following publications: (PMID: 31599023, 29372807, 16460646, 31033086, 28964290, 18813951, 27771369, 32747562, 31589614, 22116360, 34426522, 36555390, 35982127, 39107234, Stepanova2022(article), 34632506, 33614372, 26445815, 38474007)

Victorian Clinical Genetics Services, Murdoch Childrens Research Institute
Classification: Pathogenic for Pendred syndrome. Last evaluated: 2024-10-24. Review status: criteria provided, single submitter. Criteria: ACMG Guidelines, 2015. Collection method: clinical testing. Allele origin: germline. Affected: yes.
Comment: This variant is classified as Pathogenic. Evidence in support of pathogenic classification: Splice site variant proven to affect splicing of the transcript with a known effect on protein sequence. This variant affects the last nucleotide of exon 8. RT-PCR on lymphoblasts from a homozygous individual revealed intron retention which is predicted to cause a frameshift and a premature termination codon one amino acid downstream (p.(Gly334Valfs*1), referred to as position 346 in PMID: 16460646). This protein product is predicted to undergo nonsense-mediated decay (NMD); Variant is present in gnomAD <0.01 for a recessive condition (v4: 18 heterozygote(s), 0 homozygote(s)); This variant has strong previous evidence of pathogenicity in unrelated individuals. This variant has been classified seven times as pathogenic and once as likely pathogenic by clinical laboratories in ClinVar. - Other NMD-predicted variants comparable to the one identified in this case have very strong previous evidence for pathogenicity. Many NMD-predicted variants have been classified as pathogenic or likely pathogenic in ClinVar. Additional information: This variant is heterozygous; This gene is associated with autosomal recessive disease; Multiple alternative amino acid changes at the same position have been observed in gnomAD (v4) (highest allele count: 7 heterozygotes, 0 homozygotes); Loss of function is a known mechanism of disease in this gene and is associated with deafness, autosomal recessive 4, with enlarged vestibular aqueduct (#MIM600791), and Pendred syndrome (#MIM274600); Variants in this gene are known to have variable expressivity. Intrafamilial variability of hearing loss severity has been reported (PMID: 20301640, 24599119); Inheritance information for this variant is not currently available in this individual.

Blueprint Genetics
Classification: Pathogenic for SLC26A4-related disorders. Last evaluated: 2024-08-28. Review status: criteria provided, single submitter. Criteria: ACMG Guidelines, 2015. Collection method: clinical testing. Allele origin: germline. Affected: yes. Observed: 2 variant alleles.

Baylor Genetics
Classification: Pathogenic for Autosomal recessive nonsyndromic hearing loss 4. Last evaluated: 2024-02-20. Review status: criteria provided, single submitter. Criteria: ACMG Guidelines, 2015. Collection method: clinical testing. Allele origin: unknown.

Neuberg Centre For Genomic Medicine, NCGM
Classification: Pathogenic for Autosomal recessive nonsyndromic hearing loss 4. Last evaluated: 2024-02-01. Review status: criteria provided, single submitter. Criteria: ACMG Guidelines, 2015. Collection method: clinical testing. Allele origin: germline. Inheritance: Autosomal recessive inheritance.
Comment: The observed missense variant in splice region c.1001G>T(p.Gly334Val) in SLC26A4 gene has been reported previously in homozygous state in multiple individuals with SLC26A4-related conditions. It has also been observed to segregate with disease in related individuals (Dossena S, et al., 2011, Wasano K, et al., 2020). Studies have shown that this missense change results in the inclusion of part of intron 8 and introduces a premature termination codon (Walsh T, et al., 2006). Experimental studies have shown that this missense change affects SLC26A4 function (Dossena S, et al., 2011). Hence this variant is classified as Pathogenic.